The following is an entry in ClinVar:

NM_001356.5(DDX3X):c.1616-4_1616-3del

Gene: DDX3X (DEAD-box helicase 3 X-linked; plus strand). Cytogenetic location: Xp11.4.
Variant type: Deletion.
Coding change: c.1616-4_1616-3del on transcript NM_001356.5 (MANE Select); 4 bases into the intron before coding-DNA position 1616 through 3 bases into the intron before coding-DNA position 1616, 2 bases deleted (TT; older notation c.1616-4_1616-3delTT).
Molecular consequence: intron variant.
Genome position (GRCh38, 1-based): chrX:41,346,855-41,346,856, TT deleted; deleting any 2 consecutive bases within chrX:41,346,853-41,346,856 gives the same sequence; the c. name uses the placement nearest the transcript's 3' end. VCF-style (leftmost placement, unchanged base first): chrX-41346852-CTT-C. GRCh37 (hg19) VCF-style: chrX-41206105-CTT-C.
Other names: c.1616-4_1616-3del (NM_001193416.3); c.1568-4_1568-3del (NM_001193417.3); c.1058-4_1058-3del (NM_001363819.1).
Identifiers: ClinVar variation 546447 (VCV000546447.7), dbSNP rs751868529, ClinGen allele CA10389679.

ClinVar aggregate classification (germline): Conflicting classifications of pathogenicity. Review status: criteria provided, conflicting classifications (1 of 4 stars). 2 submissions from 2 submitters: Uncertain significance (1); Benign (1). Last evaluated 2024-12-23.

Submissions (2):

Labcorp Genetics (formerly Invitae), Labcorp
Classification: Benign. Last evaluated: 2024-12-23. Review status: criteria provided, single submitter. Criteria: Invitae Variant Classification Sherloc (09022015). Collection method: clinical testing. Allele origin: germline.

GeneDx
Classification: Uncertain significance. Last evaluated: 2021-05-04. Review status: criteria provided, single submitter. Criteria: GeneDx Variant Classification Process June 2021. Collection method: clinical testing. Allele origin: germline. Affected: yes.
Comment: In-silico analysis, which includes splice predictors and evolutionary conservation, is inconclusive as to whether the variant alters gene splicing. In the absence of RNA/functional studies, the actual effect of this sequence change is unknown.; Has not been previously published as pathogenic or benign to our knowledge